The following is an entry in ClinVar:

NM_013432.5(TONSL):c.3831A>G (p.Ser1277=)

Gene: TONSL (tonsoku like, DNA repair protein; minus strand). Cytogenetic location: 8q24.3.
Variant type: single nucleotide variant.
Coding change: c.3831A>G on transcript NM_013432.5 (MANE Select); coding-DNA position 3831, A replaced by G.
Protein change: p.Ser1277=; no amino-acid change (serine 1277 retained).
Molecular consequence: synonymous variant.
Genome position (GRCh38, 1-based): chr8:144,430,516, T>C on the plus strand (A>G on the coding strand, the complement: TONSL is on the minus strand). VCF-style: chr8-144430516-T-C. GRCh37 (hg19) VCF-style: chr8-145655899-T-C.
Identifiers: ClinVar variation 1582146 (VCV001582146.22), dbSNP rs1416947149, ClinGen allele CA463451112.
Genomic context (GRCh38, chr8:144,430,516, plus strand): 5'-GAGCTCTTCCAAGCTGGCACAGCTGATCTCAGGGTTGGCAGACAGATCCAGTGAGATGAG[T>C]GAGGGGCACAGAGAGAGACATCTGAGATAACATGGGAAGAAGTGCAAAGGTTGGCTTCCA-3'
Protein context (NP_038460.4, residues 1267-1287): DLCRCLSLCP[Ser1277=]LISLDLSANP

ClinVar aggregate classification (germline): Likely benign. Review status: criteria provided, multiple submitters, no conflicts (2 of 4 stars). 2 submissions from 2 submitters: Likely benign (2). Last evaluated 2024-10-01.

Allele frequency attached by ClinVar (database versions not stated): gnomAD exomes below 0.00001 and 0.00001; gnomAD 0.00002; TOPMed 0.00002.
gnomAD v4.1: 11 of 1,611,240 alleles (0.00068%); highest among the groups gnomAD compares: Admixed American, 0.0017%; no homozygotes.

Submissions (2):

CeGaT Center for Human Genetics Tuebingen
Classification: Likely benign. Last evaluated: 2024-10-01. Review status: criteria provided, single submitter. Criteria: CeGaT Center For Human Genetics Tuebingen Variant Classification Criteria Version 2. Collection method: clinical testing. Allele origin: germline. Affected: yes. Observed: 1 variant allele.
Comment: TONSL: BP4, BP7

Labcorp Genetics (formerly Invitae), Labcorp
Classification: Likely benign. Last evaluated: 2024-09-30. Review status: criteria provided, single submitter. Criteria: Invitae Variant Classification Sherloc (09022015). Collection method: clinical testing. Allele origin: germline.